The following is an entry in ClinVar:

NM_001142730.3(KCTD1):c.2048A>G (p.Tyr683Cys)

Gene: KCTD1 (potassium channel tetramerization domain containing 1; minus strand). Cytogenetic location: 18q11.2.
Variant type: single nucleotide variant.
Coding change: c.2048A>G on transcript NM_001142730.3 (MANE Select); coding-DNA position 2048, A replaced by G.
Protein change: p.Tyr683Cys; replaces tyrosine 683 with cysteine.
Molecular consequence: missense variant.
Genome position (GRCh38, 1-based): chr18:26,476,600, T>C on the plus strand (A>G on the coding strand, the complement: KCTD1 is on the minus strand). VCF-style: chr18-26476600-T-C. GRCh37 (hg19) VCF-style: chr18-24056564-T-C.
Other names: c.224A>G, p.Tyr75Cys (NM_001136205.2, NM_001258221.2, NM_001351443.1 and 1 more transcripts); c.248A>G, p.Tyr83Cys (NM_001258222.3); short protein forms Y683C, Y75C, Y83C.
Identifiers: ClinVar variation 2663072 (VCV002663072.1), dbSNP rs2510943439, ClinGen allele CA402241983.

ClinVar aggregate classification (germline): Uncertain significance (1 of 4 stars; one submission).

Submission:

GeneDx
Classification: Uncertain significance. Last evaluated: 2023-05-02. Review status: criteria provided, single submitter. Criteria: GeneDx Variant Classification Process June 2021. Collection method: clinical testing. Allele origin: germline. Affected: yes.
Comment: Not observed at significant frequency in large population cohorts (gnomAD); In silico analysis supports that this missense variant has a deleterious effect on protein structure/function; Has not been previously published as pathogenic or benign to our knowledge